The following is an entry in ClinVar:

ClinVar aggregate classification (germline): Likely benign (1 of 4 stars; one submission).

gnomAD v4.1: 65 of 1,613,670 alleles (0.004%); highest among the groups gnomAD compares: Non-Finnish European, 0.005%; no homozygotes.

Submission:

CeGaT Center for Human Genetics Tuebingen
Classification: Likely benign. Last evaluated: 2023-04-01. Review status: criteria provided, single submitter. Criteria: CeGaT Center For Human Genetics Tuebingen Variant Classification Criteria Version 2. Collection method: clinical testing. Allele origin: germline. Affected: yes. Observed: 1 variant allele.
Comment: AGO2: BP4, BP7

NM_012154.5(AGO2):c.474G>A (p.Thr158=)

Gene: AGO2 (argonaute RISC catalytic component 2; minus strand). Cytogenetic location: 8q24.3.
Variant type: single nucleotide variant.
Coding change: c.474G>A on transcript NM_012154.5 (MANE Select); coding-DNA position 474, G replaced by A.
Protein change: p.Thr158=; no amino-acid change (threonine 158 retained).
Molecular consequence: synonymous variant.
Genome position (GRCh38, 1-based): chr8:140,562,497, C>T on the plus strand (G>A on the coding strand, the complement: AGO2 is on the minus strand). VCF-style: chr8-140562497-C-T. GRCh37 (hg19) VCF-style: chr8-141572596-C-T.
Other names: c.474G>A, p.Thr158= (NM_001164623.3).
Identifiers: ClinVar variation 2658865 (VCV002658865.24), dbSNP rs758897861, ClinGen allele CA4894694.